The following is an entry in ClinVar:

ClinVar aggregate classification (germline): Uncertain significance (1 of 4 stars; one submission).

Conditions:
Actin accumulation myopathy (CMYO2A). Also called: CONGENITAL MYOPATHY 2A, TYPICAL, AUTOSOMAL DOMINANT; Myopathy, actin, congenital, with cores; Nemaline myopathy 3, with intranuclear rods; Nemaline myopathy type 3; Myopathy, actin, congenital, with excess of thin myofilaments. Identifiers: Orphanet 98904, MedGen C3711389, MONDO:0008070, OMIM 161800.

Submission:

Labcorp Genetics (formerly Invitae), Labcorp
Classification: Uncertain significance for Actin accumulation myopathy. Last evaluated: 2024-11-27. Review status: criteria provided, single submitter. Criteria: Invitae Variant Classification Sherloc (09022015). Collection method: clinical testing. Allele origin: germline.
Comment: This sequence change replaces proline, which is neutral and non-polar, with threonine, which is neutral and polar, at codon 324 of the ACTA1 protein (p.Pro324Thr). This variant is not present in population databases (gnomAD no frequency). This variant has not been reported in the literature in individuals affected with ACTA1-related conditions. Invitae Evidence Modeling of protein sequence and biophysical properties (such as structural, functional, and spatial information, amino acid conservation, physicochemical variation, residue mobility, and thermodynamic stability) indicates that this missense variant is not expected to disrupt ACTA1 protein function with a negative predictive value of 80%. In summary, the available evidence is currently insufficient to determine the role of this variant in disease. Therefore, it has been classified as a Variant of Uncertain Significance.

NM_001100.4(ACTA1):c.970C>A (p.Pro324Thr)

Gene: ACTA1 (actin alpha 1, skeletal muscle; minus strand). Cytogenetic location: 1q42.13.
Variant type: single nucleotide variant.
Coding change: c.970C>A on transcript NM_001100.4 (MANE Select); coding-DNA position 970, C replaced by A.
Protein change: p.Pro324Thr; replaces proline 324 with threonine.
Molecular consequence: missense variant.
Genome position (GRCh38, 1-based): chr1:229,431,741, G>T on the plus strand (C>A on the coding strand, the complement: ACTA1 is on the minus strand). VCF-style: chr1-229431741-G-T. GRCh37 (hg19) VCF-style: chr1-229567488-G-T.
Other names: short protein forms P324T.
Identifiers: ClinVar variation 3705892 (VCV003705892.2).